The following is an entry in ClinVar:

NM_001164508.2(NEB):c.22883A>C (p.Glu7628Ala)

Genes: NEB (nebulin; minus strand), RIF1 (replication timing regulatory factor 1; plus strand). Cytogenetic location: 2q23.3.
Variant type: single nucleotide variant.
Coding change: c.22883A>C on transcript NM_001164508.2 (MANE Select); coding-DNA position 22883, A replaced by C.
Protein change: p.Glu7628Ala; replaces glutamic acid 7628 with alanine.
Molecular consequence: missense variant.
Genome position (GRCh38, 1-based): chr2:151,516,481, T>G on the plus strand (A>C on the coding strand, the complement: NEB is on the minus strand). VCF-style: chr2-151516481-T-G. GRCh37 (hg19) VCF-style: chr2-152372995-T-G.
Other names: c.22883A>C, p.Glu7628Ala (NM_001164507.2); c.22988A>C, p.Glu7663Ala (NM_001271208.2); c.17780A>C, p.Glu5927Ala (NM_004543.5); short protein forms E5927A, E7628A, E7663A.
Identifiers: ClinVar variation 3381452 (VCV003381452.1).

ClinVar aggregate classification (germline): Uncertain significance (1 of 4 stars; one submission).

Submission:

GeneDx
Classification: Uncertain significance. Last evaluated: 2024-05-20. Review status: criteria provided, single submitter. Criteria: GeneDx Variant Classification Process June 2021. Collection method: clinical testing. Allele origin: germline. Affected: yes.
Comment: Not observed at significant frequency in large population cohorts (gnomAD); In silico analysis supports that this missense variant has a deleterious effect on protein structure/function; Has not been previously published as pathogenic or benign to our knowledge